The following is an entry in ClinVar:

NM_002180.3(IGHMBP2):c.1914G>A (p.Thr638=)

Gene: IGHMBP2 (immunoglobulin mu DNA binding protein 2; plus strand). Cytogenetic location: 11q13.3.
Variant type: single nucleotide variant.
Coding change: c.1914G>A on transcript NM_002180.3 (MANE Select); coding-DNA position 1914, G replaced by A.
Protein change: p.Thr638=; no amino-acid change (threonine 638 retained).
Molecular consequence: synonymous variant.
Genome position (GRCh38, 1-based): chr11:68,936,394, G>A. VCF-style: chr11-68936394-G-A. GRCh37 (hg19) VCF-style: chr11-68703862-G-A.
Identifiers: ClinVar variation 390988 (VCV000390988.18), dbSNP rs139065967, ClinGen allele CA6153804.

ClinVar aggregate classification (germline): Likely benign. Review status: criteria provided, multiple submitters, no conflicts (2 of 4 stars). 4 submissions from 4 submitters: Likely benign (4). Last evaluated 2025-05-15.

Conditions:
Autosomal recessive distal spinal muscular atrophy 1. Also called: NEURONOPATHY, SEVERE INFANTILE AXONAL, WITH RESPIRATORY FAILURE; SEVERE INFANTILE AXONAL NEUROPATHY WITH RESPIRATORY FAILURE; SPINAL MUSCULAR ATROPHY, DIAPHRAGMATIC; Spinal muscular atrophy with respiratory distress 1; HMN VI; NEURONOPATHY, DISTAL HEREDITARY MOTOR, HARDING TYPE VI. Identifiers: Orphanet 98920, MedGen C1858517, MONDO:0011436, OMIM 604320.
Charcot-Marie-Tooth disease axonal type 2S. Also called: CHARCOT-MARIE-TOOTH NEUROPATHY, TYPE 2S; CHARCOT-MARIE-TOOTH DISEASE, AXONAL, AUTOSOMAL RECESSIVE, TYPE 2S. Identifiers: Orphanet 443073, MedGen C4015349, MONDO:0014511, OMIM 616155.
Inborn genetic diseases. Identifiers: MedGen C0950123, MeSH D030342.

Allele frequency attached by ClinVar (database versions not stated): gnomAD exomes 0.00007; ExAC 0.00010; gnomAD 0.00017 and 0.00019; TOPMed 0.00023; ESP Exome Variant Server 0.00031.
gnomAD v4.1: 69 of 1,614,072 alleles (0.0043%); highest among the groups gnomAD compares: African/African-American, 0.061%; no homozygotes.

Submissions (4):

Labcorp Genetics (formerly Invitae), Labcorp
Classification: Likely benign for Autosomal recessive distal spinal muscular atrophy 1; Charcot-Marie-Tooth disease axonal type 2S. Last evaluated: 2025-05-15. Review status: criteria provided, single submitter. Criteria: Invitae Variant Classification Sherloc (09022015). Collection method: clinical testing. Allele origin: germline.

ARUP Laboratories, Molecular Genetics and Genomics, ARUP Laboratories
Classification: Likely benign. Last evaluated: 2021-01-25. Review status: criteria provided, single submitter. Criteria: ARUP Molecular Germline Variant Investigation Process 2021. Collection method: clinical testing. Allele origin: germline.

Ambry Genetics
Classification: Likely benign for Inborn genetic diseases. Last evaluated: 2019-07-11. Review status: criteria provided, single submitter. Criteria: Ambry Variant Classification Scheme 2023. Collection method: clinical testing. Allele origin: germline.

GeneDx
Classification: Likely benign. Last evaluated: 2016-11-23. Review status: criteria provided, single submitter. Criteria: GeneDx Variant Classification (06012015). Collection method: clinical testing. Allele origin: germline. Affected: yes.
Comment: This variant is considered likely benign or benign based on one or more of the following criteria: it is a conservative change, it occurs at a poorly conserved position in the protein, it is predicted to be benign by multiple in silico algorithms, and/or has population frequency not consistent with disease.